The following is an entry in ClinVar:

ClinVar aggregate classification (germline): Uncertain significance (1 of 4 stars; one submission).

Conditions:
Ataxia-telangiectasia syndrome (AT). Also called: Ataxia-telangiectasia, complementation group D; LOUIS-BAR SYNDROME; Cerebello-oculocutaneous telangiectasia; Immunodeficiency with ataxia telangiectasia; Ataxia-telangiectasia, complementation group E; Ataxia telangiectasia (A-T). Identifiers: Orphanet 100, MedGen C0004135, MONDO:0008840, OMIM 208900.

Submission:

3billion
Classification: Uncertain significance for Ataxia-telangiectasia syndrome. Last evaluated: 2024-10-23. Review status: criteria provided, single submitter. Criteria: ACMG Guidelines, 2015. Collection method: clinical testing. Allele origin: germline. Affected: yes.
Comment: The variant is not observed in the gnomAD v4.1.0 dataset. Predicted Consequence/Location: Intron variant In silico tools predict the variant to alter splicing and produce an abnormal transcript [SpliceAI: 0.88 (>=0.2, moderate evidence for spliceogenicity)]. The variant has been reported to be associated with ATM related disorder (PMID: 22213089). However, the evidence of pathogenicity is insufficient at this time. Therefore, this variant is classified as VUS according to the recommendation of ACMG/AMP guideline.

Literature cited by the submitters: PubMed 22213089.

NM_000051.4(ATM):c.2921+5G>A

Gene: ATM (ATM serine/threonine kinase; plus strand). Cytogenetic location: 11q22.3.
Variant type: single nucleotide variant.
Coding change: c.2921+5G>A on transcript NM_000051.4 (MANE Select); 5 bases into the intron after coding-DNA position 2921, G replaced by A.
Molecular consequence: intron variant.
Genome position (GRCh38, 1-based): chr11:108,271,151, G>A. VCF-style: chr11-108271151-G-A. GRCh37 (hg19) VCF-style: chr11-108141878-G-A.
Other names: c.2921+5G>A (NM_001351834.2).
Identifiers: ClinVar variation 4292838 (VCV004292838.1).